The following is an entry in ClinVar:

NM_001323289.2(CDKL5):c.379C>G (p.His127Asp)

Gene: CDKL5 (cyclin dependent kinase like 5; plus strand). Cytogenetic location: Xp22.13.
Variant type: single nucleotide variant.
Coding change: c.379C>G on transcript NM_001323289.2 (MANE Select); coding-DNA position 379, C replaced by G.
Protein change: p.His127Asp; replaces histidine 127 with aspartic acid.
Molecular consequence: missense variant.
Genome position (GRCh38, 1-based): chrX:18,579,944, C>G. VCF-style: chrX-18579944-C-G. GRCh37 (hg19) VCF-style: chrX-18598064-C-G.
Other names: c.379C>G, p.His127Asp (NM_001037343.2, NM_003159.3); short protein forms H127D.
Identifiers: ClinVar variation 1046503 (VCV001046503.9), dbSNP rs1925423909, ClinGen allele CA412350308.

ClinVar aggregate classification (germline): Likely pathogenic (1 of 4 stars; one submission).

Conditions:
Angelman syndrome-like. Identifiers: MedGen CN128785.
Developmental and epileptic encephalopathy, 2 (DEE2). Also called: INFANTILE SPASM SYNDROME, X-LINKED 2; CDKL5 deficiency disorder. Identifiers: Orphanet 1934, Orphanet 3451, Orphanet 505652, MedGen C4750718, MONDO:0010396, OMIM 300672.

Submission:

Labcorp Genetics (formerly Invitae), Labcorp
Classification: Likely pathogenic for Developmental and epileptic encephalopathy, 2; Angelman syndrome-like. Last evaluated: 2021-03-19. Review status: criteria provided, single submitter. Criteria: Invitae Variant Classification Sherloc (09022015). Collection method: clinical testing. Allele origin: germline.
Comment: In summary, the currently available evidence indicates that the variant is pathogenic, but additional data are needed to prove that conclusively. Therefore, this variant has been classified as Likely Pathogenic. This variant disrupts the p.His127 amino acid residue in CDKL5. Other variant(s) that disrupt this residue have been determined to be pathogenic (PMID: 19241098, 31492455, Invitae). This suggests that this residue is clinically significant, and that variants that disrupt this residue are likely to be disease-causing. Advanced modeling of protein sequence and biophysical properties (such as structural, functional, and spatial information, amino acid conservation, physicochemical variation, residue mobility, and thermodynamic stability) performed at Invitae indicates that this missense variant is expected to disrupt CDKL5 protein function. This variant has not been reported in the literature in individuals with CDKL5-related conditions. This variant is not present in population databases (ExAC no frequency). This sequence change replaces histidine with aspartic acid at codon 127 of the CDKL5 protein (p.His127Asp). The histidine residue is highly conserved and there is a moderate physicochemical difference between histidine and aspartic acid.

Literature cited by the submitters: PubMed 19241098; PubMed 31492455.